The following is an entry in ClinVar:

NM_003070.5(SMARCA2):c.3982-3799G>A

Gene: SMARCA2 (SWI/SNF related BAF chromatin remodeling complex subunit ATPase 2; plus strand). Cytogenetic location: 9p24.3.
Variant type: single nucleotide variant.
Coding change: c.3982-3799G>A on transcript NM_003070.5 (MANE Select); 3799 bases into the intron before coding-DNA position 3982, G replaced by A.
Molecular consequence: intron variant. On other transcripts: nonsense (1).
Genome position (GRCh38, 1-based): chr9:2,157,887, G>A. VCF-style: chr9-2157887-G-A. GRCh37 (hg19) VCF-style: chr9-2157887-G-A.
Other names: c.6G>A, p.Trp2Ter (NM_001289398.2); c.3982-3799G>A (NM_139045.4, NM_001289396.2); c.3808-3799G>A (NM_001289397.2); short protein forms W2*.
Identifiers: ClinVar variation 4851895 (VCV004851895.2).
Genomic context (GRCh38, chr9:2,157,887, plus strand): 5'-GTTGAGAAGAAGGCGCCTGAGGCTGACTTTCTGGACCTGCCGTCACGCAGTAAAGATGTG[G>A]TTGGTGTGTGTCAGGATGAGAGGGCCACGACTGGACCCACGTGTGGCTGCTTCCCGGGTC-3'

ClinVar aggregate classification (germline): Uncertain significance. Review status: criteria provided, multiple submitters, no conflicts (2 of 4 stars). 2 submissions from 2 submitters: Uncertain significance (2). Last evaluated 2026-09-01.

gnomAD v4.1: 4 of 398,550 alleles (0.001%); highest among the groups gnomAD compares: Non-Finnish European, 0.0013%; no homozygotes.

Submissions (2):

CeGaT Center for Human Genetics Tuebingen
Classification: Uncertain significance. Last evaluated: 2026-09-01. Review status: criteria provided, single submitter. Criteria: CeGaT Center For Human Genetics Tuebingen Variant Classification Criteria Version 2. Collection method: clinical testing. Allele origin: germline. Affected: yes. Observed: 1 variant allele.

Dasa
Classification: Uncertain significance. Last evaluated: 2026-02-24. Review status: criteria provided, single submitter. Criteria: DASA Assertion Criteria. Collection method: clinical testing. Allele origin: germline.
Comment: NM_001289398.2(SMARCA2):c.6G>A (p.Trp2*) introduces a premature termination codon predicted to result in loss of normal protein function. Loss-of-function is an established mechanism of disease for this gene. The variant is present at low frequency in population datasets. Based on the available data, this variant is classified as variant of uncertain significance.